The following is an entry in ClinVar:

ClinVar aggregate classification (germline): Uncertain significance. Review status: criteria provided, multiple submitters, no conflicts (2 of 4 stars). 2 submissions from 2 submitters: Uncertain significance (2). Last evaluated 2025-10-09.

Conditions:
Supravalvar aortic stenosis (SVAS). Also called: Supravalvar aortic stenosis, Eisenberg type. Identifiers: Orphanet 3193, MedGen C0003499, MONDO:0008504, OMIM 185500, HP:0004381.

Allele frequency attached by ClinVar (database versions not stated): TOPMed 0.00006; 1000 Genomes Project 30x 0.00016.

Submissions (2):

Labcorp Genetics (formerly Invitae), Labcorp
Classification: Uncertain significance for Supravalvar aortic stenosis. Last evaluated: 2025-10-09. Review status: criteria provided, single submitter. Criteria: Invitae Variant Classification Sherloc (09022015). Collection method: clinical testing. Allele origin: germline.
Comment: This sequence change replaces glycine, which is neutral and non-polar, with alanine, which is neutral and non-polar, at codon 711 of the ELN protein (p.Gly711Ala). This variant is present in population databases (rs200041224, gnomAD 0.05%). This variant has not been reported in the literature in individuals affected with ELN-related conditions. ClinVar contains an entry for this variant (Variation ID: 453326). Invitae Evidence Modeling of protein sequence and biophysical properties (such as structural, functional, and spatial information, amino acid conservation, physicochemical variation, residue mobility, and thermodynamic stability) indicates that this missense variant is not expected to disrupt ELN protein function with a negative predictive value of 80%. In summary, the available evidence is currently insufficient to determine the role of this variant in disease. Therefore, it has been classified as a Variant of Uncertain Significance.

GeneDx
Classification: Uncertain significance. Last evaluated: 2020-07-07. Review status: criteria provided, single submitter. Criteria: GeneDx Variant Classification Process June 2021. Collection method: clinical testing. Allele origin: germline. Affected: yes.
Comment: Has not been previously published as pathogenic or benign to our knowledge; In silico analysis supports that this missense variant does not alter protein structure/function; Reported in ClinVar as a variant of uncertain significance (ClinVar Variant ID# 453326; Landrum et al., 2016)

NM_000501.4(ELN):c.1946G>C (p.Gly649Ala)

Gene: ELN (elastin; plus strand). Cytogenetic location: 7q11.23.
Variant type: single nucleotide variant.
Coding change: c.1946G>C on transcript NM_000501.4 (MANE Select); coding-DNA position 1946, G replaced by C.
Protein change: p.Gly649Ala; replaces glycine 649 with alanine.
Molecular consequence: missense variant.
Genome position (GRCh38, 1-based): chr7:74,063,648, G>C. VCF-style: chr7-74063648-G-C. GRCh37 (hg19) VCF-style: chr7-73477978-G-C.
Other names: c.1859G>C, p.Gly620Ala (NM_001081752.3); c.1904G>C, p.Gly635Ala (NM_001081753.3); c.1961G>C, p.Gly654Ala (NM_001081754.3); c.1889G>C, p.Gly630Ala (NM_001081755.3); c.1946G>C, p.Gly649Ala (NM_001278912.2); c.1703G>C, p.Gly568Ala (NM_001278913.2); c.1874G>C, p.Gly625Ala (NM_001278914.2); c.1964G>C, p.Gly655Ala (NM_001278915.2); and 5 more; short protein forms G649A, G711A, G601A, G620A, G635A, G655A, G560A, G639A.
Identifiers: ClinVar variation 453326 (VCV000453326.10), dbSNP rs200041224, ClinGen allele CA4293311.
Genomic context (GRCh38, chr7:74,063,648, plus strand): 5'-CCAGCGGAGTCTAATGCTCAGCTGTCTCCACAGGCCTAGTGGGAGCCGCTGGGCTCGGAG[G>C]ACTCGGAGTCGGAGGGCTTGGAGTTCCAGGTGTTGGGGGCCTTGGAGGTGAGAGTTGTTC-3'
Protein context (NP_000492.2, residues 639-659): FGLVGAAGLG[Gly649Ala]LGVGGLGVPG